The following is an entry in ClinVar:

ClinVar aggregate classification (germline): Likely benign (1 of 4 stars; one submission).

Allele frequency attached by ClinVar (database versions not stated): 1000 Genomes Project 30x 0.00547; 1000 Genomes Project 0.00519; TOPMed 0.00547.
gnomAD v4.1: 689 of 152,306 alleles (0.45%); highest among the groups gnomAD compares: African/African-American, 1.5%; 5 homozygotes.

Submission:

GeneDx
Classification: Likely benign. Last evaluated: 2018-06-16. Review status: criteria provided, single submitter. Criteria: GeneDx Variant Classification (06012015). Collection method: clinical testing. Allele origin: germline. Affected: yes.
Comment: This variant is considered likely benign or benign based on one or more of the following criteria: it is a conservative change, it occurs at a poorly conserved position in the protein, it is predicted to be benign by multiple in silico algorithms, and/or has population frequency not consistent with disease.

NM_006514.4(SCN10A):c.3508-262C>T

Gene: SCN10A (sodium voltage-gated channel alpha subunit 10; minus strand). Cytogenetic location: 3p22.2.
Variant type: single nucleotide variant.
Coding change: c.3508-262C>T on transcript NM_006514.4 (MANE Select); 262 bases into the intron before coding-DNA position 3508, C replaced by T.
Molecular consequence: intron variant.
Genome position (GRCh38, 1-based): chr3:38,719,088, G>A on the plus strand (C>T on the coding strand, the complement: SCN10A is on the minus strand). VCF-style: chr3-38719088-G-A. GRCh37 (hg19) VCF-style: chr3-38760579-G-A.
Other names: c.3214-262C>T (NM_001293307.2); c.3505-262C>T (NM_001293306.2).
Identifiers: ClinVar variation 683807 (VCV000683807.1), dbSNP rs77400992, ClinGen allele CA72956297.